The following is an entry in ClinVar:

NM_004994.3(MMP9):c.386C>G (p.Ser129Trp)

Gene: MMP9 (matrix metallopeptidase 9; plus strand). Cytogenetic location: 20q13.12.
Variant type: single nucleotide variant.
Coding change: c.386C>G on transcript NM_004994.3 (MANE Select); coding-DNA position 386, C replaced by G.
Protein change: p.Ser129Trp; replaces serine 129 with tryptophan.
Molecular consequence: missense variant.
Genome position (GRCh38, 1-based): chr20:46,010,497, C>G. VCF-style: chr20-46010497-C-G. GRCh37 (hg19) VCF-style: chr20-44639136-C-G.
Other names: short protein forms S129W.
Identifiers: ClinVar variation 1363396 (VCV001363396.8), dbSNP rs756724622, ClinGen allele CA9886377.

ClinVar aggregate classification (germline): Uncertain significance (1 of 4 stars; one submission).

Allele frequency attached by ClinVar (database versions not stated): gnomAD exomes below 0.00001; ExAC 0.00001; gnomAD 0.00001; TOPMed 0.00001.
gnomAD v4.1: 3 of 1,614,048 alleles (0.00019%); highest among the groups gnomAD compares: East Asian, 0.0067%; no homozygotes.

Submission:

Labcorp Genetics (formerly Invitae), Labcorp
Classification: Uncertain significance. Last evaluated: 2025-10-15. Review status: criteria provided, single submitter. Criteria: Invitae Variant Classification Sherloc (09022015). Collection method: clinical testing. Allele origin: germline.
Comment: This sequence change replaces serine, which is neutral and polar, with tryptophan, which is neutral and slightly polar, at codon 129 of the MMP9 protein (p.Ser129Trp). This variant is present in population databases (rs756724622, gnomAD 0.005%). This variant has not been reported in the literature in individuals affected with MMP9-related conditions. ClinVar contains an entry for this variant (Variation ID: 1363396). Invitae Evidence Modeling of protein sequence and biophysical properties (such as structural, functional, and spatial information, amino acid conservation, physicochemical variation, residue mobility, and thermodynamic stability) indicates that this missense variant is not expected to disrupt MMP9 protein function with a negative predictive value of 80%. In summary, the available evidence is currently insufficient to determine the role of this variant in disease. Therefore, it has been classified as a Variant of Uncertain Significance.